The following is an entry in ClinVar:

NM_020831.6(MRTFA):c.758C>G (p.Thr253Ser)

Gene: MRTFA (myocardin related transcription factor A; minus strand). Cytogenetic location: 22q13.1.
Variant type: single nucleotide variant.
Coding change: c.758C>G on transcript NM_020831.6 (MANE Select); coding-DNA position 758, C replaced by G.
Protein change: p.Thr253Ser; replaces threonine 253 with serine.
Molecular consequence: missense variant.
Genome position (GRCh38, 1-based): chr22:40,424,225, G>C on the plus strand (C>G on the coding strand, the complement: MRTFA is on the minus strand). VCF-style: chr22-40424225-G-C. GRCh37 (hg19) VCF-style: chr22-40820229-G-C.
Other names: c.458C>G, p.Thr153Ser (NM_001282660.2); c.758C>G, p.Thr253Ser (NM_001282661.3, NM_001282662.3); c.563C>G, p.Thr188Ser (NM_001318139.2); short protein forms T188S, T153S, T253S.
Identifiers: ClinVar variation 1954331 (VCV001954331.5), dbSNP rs2052905111, ClinGen allele CA411665936.

ClinVar aggregate classification (germline): Uncertain significance (1 of 4 stars; one submission).

Submission:

Labcorp Genetics (formerly Invitae), Labcorp
Classification: Uncertain significance. Last evaluated: 2022-09-01. Review status: criteria provided, single submitter. Criteria: Invitae Variant Classification Sherloc (09022015). Collection method: clinical testing. Allele origin: germline.
Comment: This variant has not been reported in the literature in individuals affected with MKL1-related conditions. This variant is not present in population databases (gnomAD no frequency). This sequence change replaces threonine, which is neutral and polar, with serine, which is neutral and polar, at codon 153 of the MKL1 protein (p.Thr153Ser). Algorithms developed to predict the effect of missense changes on protein structure and function are either unavailable or do not agree on the potential impact of this missense change (SIFT: "Tolerated"; PolyPhen-2: "Possibly Damaging"; Align-GVGD: "Class C0"). In summary, the available evidence is currently insufficient to determine the role of this variant in disease. Therefore, it has been classified as a Variant of Uncertain Significance.